The following is an entry in ClinVar:

ClinVar aggregate classification (germline): Uncertain significance. Review status: criteria provided, multiple submitters, no conflicts (2 of 4 stars). 3 submissions from 3 submitters: Uncertain significance (3). Last evaluated 2021-11-07.

Conditions:
Microcephaly, normal intelligence and immunodeficiency (NBS). Also called: Ataxia telangiectasia variant V1; IMMUNODEFICIENCY, MICROCEPHALY, AND CHROMOSOMAL INSTABILITY; SEEMANOVA SYNDROME II; Nijmegen breakage syndrome; Immunodeficiency, microcephaly with normal intelligence; Microcephaly with normal intelligence immunodeficiency and lymphoreticular malignancies. Identifiers: Orphanet 647, MedGen C0398791, MONDO:0009623, OMIM 251260.

Allele frequency attached by ClinVar (database versions not stated): TOPMed below 0.00001; gnomAD 0.00001; gnomAD exomes below 0.00001.

Submissions (3):

Genome-Nilou Lab
Classification: Uncertain significance for Microcephaly, normal intelligence and immunodeficiency. Last evaluated: 2021-11-07. Review status: criteria provided, single submitter. Criteria: ACMG Guidelines, 2015. Collection method: clinical testing. Allele origin: germline. Affected: no.

CeGaT Center for Human Genetics Tuebingen
Classification: Uncertain significance. Last evaluated: 2021-07-01. Review status: criteria provided, single submitter. Criteria: CeGaT Center For Human Genetics Tuebingen Variant Classification Criteria Version 2. Collection method: clinical testing. Allele origin: germline. Affected: yes. Observed: 1 variant allele.

GeneDx
Classification: Uncertain significance. Last evaluated: 2019-05-09. Review status: criteria provided, single submitter. Criteria: GeneDx Variant Classification Process June 2021. Collection method: clinical testing. Allele origin: germline. Affected: yes.
Comment: Not observed at a significant frequency in large population cohorts (Lek et al., 2016); In silico analysis, which includes protein predictors and evolutionary conservation, supports that this variant does not alter protein structure/function; Has not been previously published as pathogenic or benign to our knowledge

NM_002485.5(NBN):c.1163A>G (p.Lys388Arg)

Gene: NBN (nibrin; minus strand). Cytogenetic location: 8q21.3.
Variant type: single nucleotide variant.
Coding change: c.1163A>G on transcript NM_002485.5 (MANE Select); coding-DNA position 1163, A replaced by G.
Protein change: p.Lys388Arg; replaces lysine 388 with arginine.
Molecular consequence: missense variant.
Genome position (GRCh38, 1-based): chr8:89,955,517, T>C on the plus strand (A>G on the coding strand, the complement: NBN is on the minus strand). VCF-style: chr8-89955517-T-C. GRCh37 (hg19) VCF-style: chr8-90967745-T-C.
Other names: c.917A>G, p.Lys306Arg (NM_001024688.3); short protein forms K306R, K388R.
Identifiers: ClinVar variation 1299127 (VCV001299127.39), dbSNP rs947104724, ClinGen allele CA181260760.